The following is an entry in ClinVar:

NM_182961.4(SYNE1):c.14670G>C (p.Gln4890His)

Gene: SYNE1 (spectrin repeat containing nuclear envelope protein 1; minus strand). Cytogenetic location: 6q25.2.
Variant type: single nucleotide variant.
Coding change: c.14670G>C on transcript NM_182961.4 (MANE Select); coding-DNA position 14670, G replaced by C.
Protein change: p.Gln4890His; replaces glutamine 4890 with histidine.
Molecular consequence: missense variant.
Genome position (GRCh38, 1-based): chr6:152,330,015, C>G on the plus strand (G>C on the coding strand, the complement: SYNE1 is on the minus strand). VCF-style: chr6-152330015-C-G. GRCh37 (hg19) VCF-style: chr6-152651150-C-G.
Other names: c.14457G>C, p.Gln4819His (NM_033071.5); short protein forms Q4890H, Q4819H.
Identifiers: ClinVar variation 355869 (VCV000355869.12), dbSNP rs150266354, ClinGen allele CA4055967.

ClinVar aggregate classification (germline): Conflicting classifications of pathogenicity. Review status: criteria provided, conflicting classifications (1 of 4 stars). 3 submissions from 2 submitters: Uncertain significance (2); Likely benign (1). Last evaluated 2019-10-22.

Conditions:
Autosomal recessive ataxia, Beauce type. Also called: SYNE1 Deficiency; SYNE1-Related Autosomal Recessive Cerebellar Ataxia; Spinocerebellar ataxia, autosomal recessive 8; ATAXIA, RECESSIVE, OF BEAUCE. Identifiers: Orphanet 88644, MedGen C1853116, MONDO:0012549, OMIM 610743.
Emery-Dreifuss muscular dystrophy 4, autosomal dominant (EDMD4). Also called: EMERY-DREIFUSS MUSCULAR DYSTROPHY 4 WITH VARIABLE FEATURES. Identifiers: Orphanet 261, MedGen C2751807, MONDO:0013071, OMIM 612998.

Allele frequency attached by ClinVar (database versions not stated): gnomAD exomes below 0.00001 and 0.00001; gnomAD 0.00001; ExAC 0.00002; TOPMed 0.00002; ESP Exome Variant Server 0.00023.
gnomAD v4.1: 5 of 1,614,066 alleles (0.00031%); highest among the groups gnomAD compares: Non-Finnish European, 0.00042%; no homozygotes.

Submissions (3):

Labcorp Genetics (formerly Invitae), Labcorp
Classification: Uncertain significance for Emery-Dreifuss muscular dystrophy 4, autosomal dominant; Autosomal recessive ataxia, Beauce type. Last evaluated: 2019-10-22. Review status: criteria provided, single submitter. Criteria: Invitae Variant Classification Sherloc (09022015). Collection method: clinical testing. Allele origin: germline.
Comment: In summary, the available evidence is currently insufficient to determine the role of this variant in disease. Therefore, it has been classified as a Variant of Uncertain Significance. Algorithms developed to predict the effect of missense changes on protein structure and function are either unavailable or do not agree on the potential impact of this missense change (SIFT: "Deleterious"; PolyPhen-2: "Possibly Damaging"; Align-GVGD: "Class C0"). This variant has not been reported in the literature in individuals with SYNE1-related conditions. ClinVar contains an entry for this variant (Variation ID: 355869). This variant is present in population databases (rs150266354, ExAC 0.003%). This sequence change replaces glutamine with histidine at codon 4819 of the SYNE1 protein (p.Gln4819His). The glutamine residue is highly conserved and there is a small physicochemical difference between glutamine and histidine.

Illumina Laboratory Services, Illumina
Classification: Likely benign for Emery-Dreifuss muscular dystrophy 4, autosomal dominant. Last evaluated: 2018-01-12. Review status: criteria provided, single submitter. Criteria: ICSL Variant Classification Criteria 13 December 2019. Collection method: clinical testing. Allele origin: germline.
Comment: This variant was observed in the ICSL laboratory as part of a predisposition screen in an ostensibly healthy population. It had not been previously curated by ICSL or reported in the Human Gene Mutation Database (HGMD: prior to June 1st, 2018), and was therefore a candidate for classification through an automated scoring system. Utilizing variant allele frequency, disease prevalence and penetrance estimates, and inheritance mode, an automated score was calculated to assess if this variant is too frequent to cause the disease. Based on the score and internal cut-off values, a variant classified as likely benign is not then subjected to further curation. The score for this variant resulted in a classification of likely benign for this disease.

Illumina Laboratory Services, Illumina
Classification: Uncertain significance for Autosomal recessive ataxia, Beauce type. Last evaluated: 2018-01-12. Review status: criteria provided, single submitter. Criteria: ICSL Variant Classification Criteria 13 December 2019. Collection method: clinical testing. Allele origin: germline.